The following is an entry in ClinVar:

NM_001167.4(XIAP):c.1223A>G (p.Glu408Gly)

Gene: XIAP (X-linked inhibitor of apoptosis; plus strand). Cytogenetic location: Xq25.
Variant type: single nucleotide variant.
Coding change: c.1223A>G on transcript NM_001167.4 (MANE Select); coding-DNA position 1223, A replaced by G.
Protein change: p.Glu408Gly; replaces glutamic acid 408 with glycine.
Molecular consequence: missense variant. On other transcripts: non-coding transcript variant (2).
Genome position (GRCh38, 1-based): chrX:123,900,616, A>G. VCF-style: chrX-123900616-A-G. GRCh37 (hg19) VCF-style: chrX-123034466-A-G.
Other names: c.1223A>G, p.Glu408Gly (NM_001204401.2, NM_001378590.1, NM_001378591.1 and 1 more transcripts); short protein forms E408G.
Identifiers: ClinVar variation 4696911 (VCV004696911.1).

ClinVar aggregate classification (germline): Uncertain significance (1 of 4 stars; one submission).

Conditions:
X-linked lymphoproliferative disease due to XIAP deficiency. Also called: XIAP DEFICIENCY; XIAP-Related Lymphoproliferative Disease, X-Linked. Identifiers: Orphanet 2442, Orphanet 538934, MedGen C1845076, MONDO:0010385, OMIM 300635.

Submission:

Labcorp Genetics (formerly Invitae), Labcorp
Classification: Uncertain significance for X-linked lymphoproliferative disease due to XIAP deficiency. Last evaluated: 2025-05-22. Review status: criteria provided, single submitter. Criteria: Invitae Variant Classification Sherloc (09022015). Collection method: clinical testing. Allele origin: germline.
Comment: This sequence change replaces glutamic acid, which is acidic and polar, with glycine, which is neutral and non-polar, at codon 408 of the XIAP protein (p.Glu408Gly). This variant is not present in population databases (gnomAD no frequency). This variant has not been reported in the literature in individuals affected with XIAP-related conditions. Invitae Evidence Modeling of protein sequence and biophysical properties (such as structural, functional, and spatial information, amino acid conservation, physicochemical variation, residue mobility, and thermodynamic stability) indicates that this missense variant is not expected to disrupt XIAP protein function with a negative predictive value of 80%. In summary, the available evidence is currently insufficient to determine the role of this variant in disease. Therefore, it has been classified as a Variant of Uncertain Significance.